The following is an entry in ClinVar:

ClinVar aggregate classification (germline): Uncertain significance (1 of 4 stars; one submission).

Conditions:
Epidermolysis bullosa simplex 5C, with pyloric atresia (EBS5C). Also called: PLEC-Related Epidermolysis Bullosa with Pyloric Atresia; Epidermolysis bullosa simplex with pyloric atresia; PLEC1-Related Epidermolysis Bullosa with Pyloric Atresia. Identifiers: Orphanet 158684, MedGen C2677349, MONDO:0012807, OMIM 612138.

Allele frequency attached by ClinVar (database versions not stated): gnomAD 0.00001; TOPMed 0.00002; ExAC 0.00003; gnomAD exomes 0.00003.
gnomAD v4.1: 32 of 1,602,208 alleles (0.002%); highest among the groups gnomAD compares: South Asian, 0.0045%; no homozygotes.

Submission:

Baylor Genetics
Classification: Uncertain significance for Epidermolysis bullosa simplex 5C, with pyloric atresia. Last evaluated: 2018-10-05. Review status: criteria provided, single submitter. Criteria: ACMG Guidelines, 2015. Collection method: clinical testing. Allele origin: maternal. Affected: yes.
Comment: This variant was determined to be of uncertain significance according to ACMG Guidelines, 2015 [PMID:25741868].

NM_201378.4(PLEC):c.71-11749C>T

Gene: PLEC (plectin; minus strand). Cytogenetic location: 8q24.3.
Variant type: single nucleotide variant.
Coding change: c.71-11749C>T on transcript NM_201378.4 (MANE Plus Clinical); 11749 bases into the intron before coding-DNA position 71, C replaced by T.
Molecular consequence: intron variant. On other transcripts: missense variant (1).
Genome position (GRCh38, 1-based): chr8:143,950,441, G>A on the plus strand (C>T on the coding strand, the complement: PLEC is on the minus strand). VCF-style: chr8-143950441-G-A. GRCh37 (hg19) VCF-style: chr8-145024609-G-A.
Other names: c.266C>T, p.Pro89Leu (NM_201380.4); c.194-11749C>T (NM_001410941.1, NM_000445.5); c.46+3285C>T (NM_201379.3); short protein forms P89L.
Identifiers: ClinVar variation 1031816 (VCV001031816.3), dbSNP rs374957051, ClinGen allele CA4928983.
Genomic context (GRCh38, chr8:143,950,441, plus strand): 5'-GGCATCACCATGGCGACGGGGCGGCGCACGCGCTGCAGAGAGGCGGGCACGATCTCTGGC[G>A]GCAGGTGCAGGTACTGGCGGAGGTGGGCGATGCCTTCATTGGTGAGGTACCAGTAAAAGT-3'